The following is an entry in ClinVar:

ClinVar aggregate classification (germline): Benign/Likely benign. Review status: criteria provided, multiple submitters, no conflicts (2 of 4 stars). 6 submissions from 6 submitters: Benign (4); Likely benign (2). Last evaluated 2026-02-02.

Conditions:
FLNB-Related Spectrum Disorders.

Allele frequency attached by ClinVar (database versions not stated): gnomAD exomes 0.00038 and 0.00103; gnomAD 0.00378 and 0.00406; TOPMed 0.00438; 1000 Genomes Project 0.00459; 1000 Genomes Project 30x 0.00484; ExAC 0.00116; ESP Exome Variant Server 0.00315.
gnomAD v4.1: 1,166 of 1,614,164 alleles (0.072%); highest among the groups gnomAD compares: African/African-American, 1.3%; 9 homozygotes.

Submissions (6):

Labcorp Genetics (formerly Invitae), Labcorp
Classification: Benign. Last evaluated: 2026-02-02. Review status: criteria provided, single submitter. Criteria: Invitae Variant Classification Sherloc (09022015). Collection method: clinical testing. Allele origin: germline.

Blueprint Genetics
Classification: Likely benign. Last evaluated: 2024-11-13. Review status: criteria provided, single submitter. Criteria: ACMG Guidelines, 2015. Collection method: clinical testing. Allele origin: germline.

ARUP Laboratories, Molecular Genetics and Genomics, ARUP Laboratories
Classification: Benign. Last evaluated: 2024-02-29. Review status: criteria provided, single submitter. Criteria: ARUP Molecular Germline Variant Investigation Process 2024. Collection method: clinical testing. Allele origin: germline.

Illumina Laboratory Services, Illumina
Classification: Likely benign for FLNB-Related Spectrum Disorders. Last evaluated: 2018-01-13. Review status: criteria provided, single submitter. Criteria: ICSL Variant Classification Criteria 13 December 2019. Collection method: clinical testing. Allele origin: germline.
Comment: This variant was observed in the ICSL laboratory as part of a predisposition screen in an ostensibly healthy population. It had not been previously curated by ICSL or reported in the Human Gene Mutation Database (HGMD: prior to June 1st, 2018), and was therefore a candidate for classification through an automated scoring system. Utilizing variant allele frequency, disease prevalence and penetrance estimates, and inheritance mode, an automated score was calculated to assess if this variant is too frequent to cause the disease. Based on the score and internal cut-off values, a variant classified as likely benign is not then subjected to further curation. The score for this variant resulted in a classification of likely benign for this disease.

GeneDx
Classification: Benign. Last evaluated: 2018-01-08. Review status: criteria provided, single submitter. Criteria: GeneDx Variant Classification (06012015). Collection method: clinical testing. Allele origin: germline. Affected: yes.
Comment: This variant is considered likely benign or benign based on one or more of the following criteria: it is a conservative change, it occurs at a poorly conserved position in the protein, it is predicted to be benign by multiple in silico algorithms, and/or has population frequency not consistent with disease.

Eurofins Ntd Llc (ga)
Classification: Benign. Last evaluated: 2015-04-23. Review status: criteria provided, single submitter. Criteria: EGL Classification Definitions 2015. Collection method: clinical testing. Allele origin: germline. Observed: 1 variant allele, 1 heterozygote.

NM_001457.4(FLNB):c.3090C>T (p.Tyr1030=)

Gene: FLNB (filamin B; plus strand). Cytogenetic location: 3p14.3.
Variant type: single nucleotide variant.
Coding change: c.3090C>T on transcript NM_001457.4 (MANE Select); coding-DNA position 3090, C replaced by T.
Protein change: p.Tyr1030=; no amino-acid change (tyrosine 1030 retained).
Molecular consequence: synonymous variant.
Genome position (GRCh38, 1-based): chr3:58,121,467, C>T. VCF-style: chr3-58121467-C-T. GRCh37 (hg19) VCF-style: chr3-58107194-C-T.
Other names: c.3090C>T, p.Tyr1030= (NM_001164317.2, NM_001164318.2, NM_001164319.2).
Identifiers: ClinVar variation 195475 (VCV000195475.26), dbSNP rs112968165, ClinGen allele CA201772.